The following is an entry in ClinVar:

NM_006012.4(CLPP):c.754G>A (p.Gly252Ser)

Gene: CLPP (caseinolytic mitochondrial matrix peptidase proteolytic subunit; plus strand). Cytogenetic location: 19p13.3.
Variant type: single nucleotide variant.
Coding change: c.754G>A on transcript NM_006012.4 (MANE Select); coding-DNA position 754, G replaced by A.
Protein change: p.Gly252Ser; replaces glycine 252 with serine.
Molecular consequence: missense variant.
Genome position (GRCh38, 1-based): chr19:6,368,630, G>A. VCF-style: chr19-6368630-G-A. GRCh37 (hg19) VCF-style: chr19-6368641-G-A.
Other names: short protein forms G252S.
Identifiers: ClinVar variation 3253370 (VCV003253370.1), dbSNP rs769596678.

ClinVar aggregate classification (germline): Uncertain significance (1 of 4 stars; one submission).

Allele frequency attached by ClinVar (database versions not stated): gnomAD exomes below 0.00001; TOPMed below 0.00001; ExAC 0.00002.

Submission:

GeneDx
Classification: Uncertain significance. Last evaluated: 2023-10-05. Review status: criteria provided, single submitter. Criteria: GeneDx Variant Classification Process June 2021. Collection method: clinical testing. Allele origin: germline. Affected: yes.
Comment: Not observed at significant frequency in large population cohorts (gnomAD); In silico analysis supports that this missense variant does not alter protein structure/function; Has not been previously published as pathogenic or benign to our knowledge